The following is an entry in ClinVar:

ClinVar aggregate classification (germline): Benign/Likely benign. Review status: criteria provided, multiple submitters, no conflicts (2 of 4 stars). 4 submissions from 4 submitters: Benign (1); Likely benign (3). Last evaluated 2026-06-21.

Conditions:
FUCA1-related disorder. Also called: FUCA1-related condition.
Fucosidosis. Also called: ALPHA-L-FUCOSIDASE DEFICIENCY. Identifiers: Orphanet 349, MedGen C0016788, MONDO:0009254, OMIM 230000.

Allele frequency attached by ClinVar (database versions not stated): ExAC 0.00046; gnomAD exomes 0.00048; 1000 Genomes Project 30x 0.00078; 1000 Genomes Project 0.00080; TOPMed 0.00111; gnomAD 0.00128 and 0.00136.
gnomAD v4.1: 532 of 1,613,766 alleles (0.033%); highest among the groups gnomAD compares: African/African-American, 0.34%; no homozygotes.

Submissions (4):

PreventionGenetics, part of Exact Sciences
Classification: Likely benign for FUCA1-related condition. Last evaluated: 2026-06-21. Review status: criteria provided, single submitter. Criteria: ACMG Guidelines, 2015. Collection method: clinical testing. Allele origin: germline.
Comment: This variant is classified as likely benign based on ACMG/AMP sequence variant interpretation guidelines (Richards et al. 2015 PMID: 25741868, with internal and published modifications).

Labcorp Genetics (formerly Invitae), Labcorp
Classification: Benign for Fucosidosis. Last evaluated: 2026-01-26. Review status: criteria provided, single submitter. Criteria: Invitae Variant Classification Sherloc (09022015). Collection method: clinical testing. Allele origin: germline.

Blueprint Genetics
Classification: Likely benign. Last evaluated: 2024-10-17. Review status: criteria provided, single submitter. Criteria: ACMG Guidelines, 2015. Collection method: clinical testing. Allele origin: germline.

Illumina Laboratory Services, Illumina
Classification: Likely benign for Fucosidosis. Last evaluated: 2018-01-12. Review status: criteria provided, single submitter. Criteria: ICSL Variant Classification Criteria 13 December 2019. Collection method: clinical testing. Allele origin: germline.
Comment: This variant was observed in the ICSL laboratory as part of a predisposition screen in an ostensibly healthy population. It had not been previously curated by ICSL or reported in the Human Gene Mutation Database (HGMD: prior to June 1st, 2018), and was therefore a candidate for classification through an automated scoring system. Utilizing variant allele frequency, disease prevalence and penetrance estimates, and inheritance mode, an automated score was calculated to assess if this variant is too frequent to cause the disease. Based on the score and internal cut-off values, a variant classified as likely benign is not then subjected to further curation. The score for this variant resulted in a classification of likely benign for this disease.

NM_000147.5(FUCA1):c.648C>T (p.Tyr216=)

Gene: FUCA1 (alpha-L-fucosidase 1; minus strand). Cytogenetic location: 1p36.11.
Variant type: single nucleotide variant.
Coding change: c.648C>T on transcript NM_000147.5 (MANE Select); coding-DNA position 648, C replaced by T.
Protein change: p.Tyr216=; no amino-acid change (tyrosine 216 retained).
Molecular consequence: synonymous variant.
Genome position (GRCh38, 1-based): chr1:23,863,148, G>A on the plus strand (C>T on the coding strand, the complement: FUCA1 is on the minus strand). VCF-style: chr1-23863148-G-A. GRCh37 (hg19) VCF-style: chr1-24189638-G-A.
Identifiers: ClinVar variation 767042 (VCV000767042.16), dbSNP rs80358198, ClinGen allele CA686494.
Genomic context (GRCh38, chr1:23,863,148, plus strand): 5'-ATTTCATTGATAAAAGTCATAGGGCCAAAATATTTCAGTGTCTTACCTGTTAACAAGGTC[G>A]TACAGCTCTGGCATTGTTTTTGCACTGACAAAATGCTGTGTTTTGAAGCCATTTTTCTTA-3'
Protein context (NP_000138.2, residues 206-226): FVSAKTMPEL[Tyr216=]DLVNSYKPDL